The following is an entry in ClinVar:

NM_001846.4(COL4A2):c.2720A>C (p.Lys907Thr)

Gene: COL4A2 (collagen type IV alpha 2 chain; plus strand). Cytogenetic location: 13q34.
Variant type: single nucleotide variant.
Coding change: c.2720A>C on transcript NM_001846.4 (MANE Select); coding-DNA position 2720, A replaced by C.
Protein change: p.Lys907Thr; replaces lysine 907 with threonine.
Molecular consequence: missense variant.
Genome position (GRCh38, 1-based): chr13:110,480,352, A>C. VCF-style: chr13-110480352-A-C. GRCh37 (hg19) VCF-style: chr13-111132699-A-C.
Other names: c.2720A>C (NM_001846.2); short protein forms K907T.
Identifiers: ClinVar variation 1708360 (VCV001708360.4), dbSNP rs767615338, ClinGen allele CA7049978.

ClinVar aggregate classification (germline): Uncertain significance. Review status: criteria provided, multiple submitters, no conflicts (2 of 4 stars). 3 submissions from 3 submitters: Uncertain significance (3). Last evaluated 2025-09-18.

Conditions:
Inborn genetic diseases. Identifiers: MedGen C0950123, MeSH D030342.

Allele frequency attached by ClinVar (database versions not stated): gnomAD 0.00001; gnomAD exomes 0.00001; ExAC 0.00003; TOPMed 0.00004.
gnomAD v4.1: 19 of 1,613,396 alleles (0.0012%); highest among the groups gnomAD compares: Middle Eastern, 0.016%; no homozygotes.

Submissions (3):

Labcorp Genetics (formerly Invitae), Labcorp
Classification: Uncertain significance. Last evaluated: 2025-09-18. Review status: criteria provided, single submitter. Criteria: Invitae Variant Classification Sherloc (09022015). Collection method: clinical testing. Allele origin: germline.
Comment: This sequence change replaces lysine, which is basic and polar, with threonine, which is neutral and polar, at codon 907 of the COL4A2 protein (p.Lys907Thr). This variant is present in population databases (rs767615338, gnomAD 0.006%). This variant has not been reported in the literature in individuals affected with COL4A2-related conditions. ClinVar contains an entry for this variant (Variation ID: 1708360). Invitae Evidence Modeling of protein sequence and biophysical properties (such as structural, functional, and spatial information, amino acid conservation, physicochemical variation, residue mobility, and thermodynamic stability) indicates that this missense variant is not expected to disrupt COL4A2 protein function with a negative predictive value of 95%. In summary, the available evidence is currently insufficient to determine the role of this variant in disease. Therefore, it has been classified as a Variant of Uncertain Significance.

Ambry Genetics
Classification: Uncertain significance for Inborn genetic diseases. Last evaluated: 2025-06-18. Review status: criteria provided, single submitter. Criteria: Ambry Variant Classification Scheme 2023. Collection method: clinical testing. Allele origin: germline.

Centre of Medical Genetics, University Hospital Muenster
Classification: Uncertain significance. Last evaluated: 2021-12-08. Review status: criteria provided, single submitter. Criteria: ACMG Guidelines, 2015. Collection method: clinical testing. Allele origin: unknown. Affected: yes. Observed: 1 variant allele, 1 heterozygote.
Comment: ACMG categories: PP3,BP1